The following is an entry in ClinVar:

ClinVar aggregate classification (germline): Pathogenic. Review status: criteria provided, multiple submitters, no conflicts (2 of 4 stars). 2 submissions from 2 submitters: Pathogenic (2). Last evaluated 2026-06-22.

Conditions:
Familial cancer of breast. Also called: BREAST CANCER, FAMILIAL; hereditary breast carcinoma; Hereditary breast cancer. Identifiers: Orphanet 227535, MedGen C0346153, MONDO:0016419, OMIM 114480. Disease mechanism: loss of function.
Hereditary cancer-predisposing syndrome. Also called: Hereditary neoplastic syndrome; Hereditary Cancer Syndrome; Neoplastic Syndromes, Hereditary; Tumor predisposition. Identifiers: Orphanet 140162, MedGen C0027672, MeSH D009386, MONDO:0015356.

Submissions (2):

Ambry Genetics
Classification: Pathogenic for Hereditary cancer-predisposing syndrome. Last evaluated: 2026-06-22. Review status: criteria provided, single submitter. Criteria: Ambry Variant Classification Scheme 2023. Collection method: clinical testing. Allele origin: germline.
Comment: The c.1920delA pathogenic mutation, located in coding exon 12 of the ATM gene, results from a deletion of one nucleotide at nucleotide position 1920, causing a translational frameshift with a predicted alternate stop codon (p.E641Kfs*8). This variant is considered to be rare based on population cohorts in the Genome Aggregation Database (gnomAD). This variant is expected to result in loss of function by premature protein truncation or nonsense-mediated mRNA decay. As such, this variant is interpreted as a disease-causing mutation.

Myriad Genetics, Inc.
Classification: Pathogenic for Familial cancer of breast. Last evaluated: 2023-09-13. Review status: criteria provided, single submitter. Criteria: Myriad Autosomal Dominant, Autosomal Recessive and X-Linked Classification Criteria (2023). Collection method: clinical testing. Allele origin: unknown.
Comment: This variant is considered pathogenic. This variant creates a frameshift predicted to result in premature protein truncation.

NM_000051.4(ATM):c.1920del (p.Glu641fs)

Gene: ATM (ATM serine/threonine kinase; plus strand). Cytogenetic location: 11q22.3.
Variant type: Deletion.
Coding change: c.1920del on transcript NM_000051.4 (MANE Select); coding-DNA position 1920, one base deleted (A; older notation c.1920delA).
Protein change: p.Glu641fs; shifts the reading frame from glutamic acid 641.
Molecular consequence: frameshift variant.
Genome position (GRCh38, 1-based): chr11:108,253,835, A deleted; the last of 3 consecutive A bases (chr11:108,253,833-108,253,835); deleting any one gives the same sequence. VCF-style (leftmost placement, unchanged base first): chr11-108253832-TA-T. GRCh37 (hg19) VCF-style: chr11-108124559-TA-T.
Other names: c.1920del, p.Glu641fs (NM_001351834.2); short protein forms E641fs.
Identifiers: ClinVar variation 2673281 (VCV002673281.2), dbSNP rs2080294213, ClinGen allele CA645569735.